The following is an entry in ClinVar:

ClinVar aggregate classification (germline): Uncertain significance (1 of 4 stars; one submission).

Conditions:
Neonatal-onset encephalopathy with rigidity and seizures. Also called: Lethal neonatal spasticity-epileptic encephalopathy syndrome. Identifiers: Orphanet 435845, MedGen C3281029, MONDO:0013784, OMIM 614498.

Allele frequency attached by ClinVar (database versions not stated): TOPMed below 0.00001; ExAC 0.00001; gnomAD exomes 0.00001.
gnomAD v4.1: 9 of 1,610,036 alleles (0.00056%); highest among the groups gnomAD compares: Non-Finnish European, 0.000085%; no homozygotes.

Submission:

Labcorp Genetics (formerly Invitae), Labcorp
Classification: Uncertain significance for Neonatal-onset encephalopathy with rigidity and seizures. Last evaluated: 2021-05-27. Review status: criteria provided, single submitter. Criteria: Invitae Variant Classification Sherloc (09022015). Collection method: clinical testing. Allele origin: germline.
Comment: This sequence change replaces aspartic acid with histidine at codon 780 of the BRAT1 protein (p.Asp780His). The aspartic acid residue is highly conserved and there is a moderate physicochemical difference between aspartic acid and histidine. This variant is present in population databases (rs778372510, ExAC 0.002%). This variant has not been reported in the literature in individuals with BRAT1-related conditions. Algorithms developed to predict the effect of missense changes on protein structure and function are either unavailable or do not agree on the potential impact of this missense change (SIFT: "Deleterious"; PolyPhen-2: "Probably Damaging"; Align-GVGD: "Class C0"). In summary, the available evidence is currently insufficient to determine the role of this variant in disease. Therefore, it has been classified as a Variant of Uncertain Significance.

NM_152743.4(BRAT1):c.2338G>C (p.Asp780His)

Gene: BRAT1 (BRCA1 associated ATM activator 1; minus strand). Cytogenetic location: 7p22.3.
Variant type: single nucleotide variant.
Coding change: c.2338G>C on transcript NM_152743.4 (MANE Select); coding-DNA position 2338, G replaced by C.
Protein change: p.Asp780His; replaces aspartic acid 780 with histidine.
Molecular consequence: missense variant. On other transcripts: non-coding transcript variant (1).
Genome position (GRCh38, 1-based): chr7:2,538,197, C>G on the plus strand (G>C on the coding strand, the complement: BRAT1 is on the minus strand). VCF-style: chr7-2538197-C-G. GRCh37 (hg19) VCF-style: chr7-2577831-C-G.
Other names: c.2518G>C, p.Asp840His (NM_001350626.2); c.1813G>C, p.Asp605His (NM_001350627.2); short protein forms D605H, D780H, D840H.
Identifiers: ClinVar variation 1008701 (VCV001008701.8), dbSNP rs778372510, ClinGen allele CA4127385.